The following is an entry in ClinVar:

ClinVar aggregate classification (germline): Uncertain significance (1 of 4 stars; one submission).

Conditions:
Hereditary cancer-predisposing syndrome. Also called: Tumor predisposition; Hereditary Cancer Syndrome; Hereditary neoplastic syndrome; Neoplastic Syndromes, Hereditary. Identifiers: Orphanet 140162, MedGen C0027672, MeSH D009386, MONDO:0015356.

Allele frequency attached by ClinVar (database versions not stated): ExAC 0.00001; gnomAD exomes 0.00001.
gnomAD v4.1: 5 of 1,613,748 alleles (0.00031%); highest among the groups gnomAD compares: South Asian, 0.0011%; no homozygotes.

Submission:

Ambry Genetics
Classification: Uncertain significance for Hereditary cancer-predisposing syndrome. Last evaluated: 2023-09-02. Review status: criteria provided, single submitter. Criteria: Ambry Variant Classification Scheme 2023. Collection method: clinical testing. Allele origin: germline.
Comment: The p.G344D variant (also known as c.1031G>A), located in coding exon 5 of the RET gene, results from a G to A substitution at nucleotide position 1031. The glycine at codon 344 is replaced by aspartic acid, an amino acid with similar properties. This amino acid position is not well conserved in available vertebrate species. In addition, this alteration is predicted to be tolerated by in silico analysis. Since supporting evidence is limited at this time, the clinical significance of this alteration remains unclear.

NM_020975.6(RET):c.1031G>A (p.Gly344Asp)

Gene: RET (ret proto-oncogene; plus strand). Cytogenetic location: 10q11.21.
Variant type: single nucleotide variant.
Coding change: c.1031G>A on transcript NM_020975.6 (MANE Select); coding-DNA position 1031, G replaced by A.
Protein change: p.Gly344Asp; replaces glycine 344 with aspartic acid.
Molecular consequence: missense variant. On other transcripts: intron variant (25).
Genome position (GRCh38, 1-based): chr10:43,106,539, G>A. VCF-style: chr10-43106539-G-A. GRCh37 (hg19) VCF-style: chr10-43601987-G-A.
Other names: c.1031G>A, p.Gly344Asp (NM_000323.2, NM_001406743.1, NM_001406744.1 and 6 more transcripts); c.269G>A, p.Gly90Asp (NM_001355216.2); c.902G>A, p.Gly301Asp (NM_001406761.1, NM_001406762.1, NM_001406764.1 and 1 more transcripts); c.743G>A, p.Gly248Asp (NM_001406766.1, NM_001406767.1, NM_001406770.1); c.867+1346G>A (NM_001406772.1, NM_001406769.1); c.626-2492G>A (NM_001406773.1, NM_001406771.1); c.625+3910G>A (NM_001406782.1, NM_001406780.1, NM_001406779.1 and 3 more transcripts); c.738+1346G>A (NM_001406774.1); and 5 more; short protein forms G90D, G248D, G301D, G344D.
Identifiers: ClinVar variation 2587872 (VCV002587872.2), dbSNP rs762367597, ClinGen allele CA030797.